The following is an entry in ClinVar:

NM_001348323.3(TRIP12):c.1270+20C>A

Gene: TRIP12 (thyroid hormone receptor interactor 12; minus strand). Cytogenetic location: 2q36.3.
Variant type: single nucleotide variant.
Coding change: c.1270+20C>A on transcript NM_001348323.3 (MANE Select); 20 bases into the intron after coding-DNA position 1270, C replaced by A.
Molecular consequence: intron variant. On other transcripts: missense variant (3).
Genome position (GRCh38, 1-based): chr2:229,836,828, G>T on the plus strand (C>A on the coding strand, the complement: TRIP12 is on the minus strand). VCF-style: chr2-229836828-G-T. GRCh37 (hg19) VCF-style: chr2-230701544-G-T.
Other names: c.1203C>A, p.Ser401Arg (NM_001348334.1); c.1290C>A, p.Ser430Arg (NM_001348335.2, NM_001348336.1); c.235+20C>A (NM_001284216.2); c.1144+20C>A (NM_004238.3, NM_001348331.1, NM_001348317.1 and 3 more transcripts); c.1183+20C>A (NM_001348332.1); c.1270+20C>A (NM_001284214.2, NM_001348319.1, NM_001348333.1 and 11 more transcripts); short protein forms S401R, S430R.
Identifiers: ClinVar variation 3058786 (VCV003058786.2), dbSNP rs375870736, ClinGen allele CA2153326.

ClinVar aggregate classification (germline): Likely benign (0 of 4 stars; one submission).

Conditions:
TRIP12-related disorder. Also called: TRIP12-related condition.

Allele frequency attached by ClinVar (database versions not stated): ESP Exome Variant Server 0.00077; 1000 Genomes Project 0.00080; 1000 Genomes Project 30x 0.00109.
gnomAD v4.1: 172 of 1,582,750 alleles (0.011%); highest among the groups gnomAD compares: African/African-American, 0.23%; no homozygotes.

Submission:

PreventionGenetics, part of Exact Sciences
Classification: Likely benign for TRIP12-related condition. Last evaluated: 2022-10-27. Review status: no assertion criteria provided. Collection method: clinical testing. Allele origin: germline.
Comment: This variant is classified as likely benign based on ACMG/AMP sequence variant interpretation guidelines (Richards et al. 2015 PMID: 25741868, with internal and published modifications).